The following is an entry in ClinVar:

ClinVar aggregate classification (germline): Uncertain significance (1 of 4 stars; one submission).

Submission:

Labcorp Genetics (formerly Invitae), Labcorp
Classification: Uncertain significance. Last evaluated: 2025-10-01. Review status: criteria provided, single submitter. Criteria: Invitae Variant Classification Sherloc (09022015). Collection method: clinical testing. Allele origin: germline.
Comment: This sequence change falls in intron 10 of the PRKCSH gene. It does not directly change the encoded amino acid sequence of the PRKCSH protein. Information on the frequency of this variant in the gnomAD database is not available, as this variant may be reported differently in the database. This variant has not been reported in the literature in individuals affected with PRKCSH-related conditions. ClinVar contains an entry for this variant (Variation ID: 1918116). Experimental studies and prediction algorithms are not available or were not evaluated, and the effect of this variant on mRNA splicing is currently unknown. In summary, the available evidence is currently insufficient to determine the role of this variant in disease. Therefore, it has been classified as a Variant of Uncertain Significance.

NM_001289104.2(PRKCSH):c.850-14_850-13inv

Gene: PRKCSH (PRKCSH beta subunit of glucosidase II; plus strand). Cytogenetic location: 19p13.2.
Variant type: Inversion.
Coding change: c.850-14_850-13inv on transcript NM_001289104.2 (MANE Select).
Molecular consequence: intron variant.
Genome position: GRCh38 VCF-style: chr19-11447425-TG-CA. GRCh37 (hg19) VCF-style: chr19-11558240-TG-CA.
Other names: c.850-14_850-13inv (NM_001289103.2, NM_001379609.1, NM_001379608.1 and 3 more transcripts).
Identifiers: ClinVar variation 1918116 (VCV001918116.5), ClinGen allele CA2580096621.